The following is an entry in ClinVar:

NM_016222.4(DDX41):c.1054A>T (p.Met352Leu)

Gene: DDX41 (DEAD-box helicase 41; minus strand). Cytogenetic location: 5q35.3.
Variant type: single nucleotide variant.
Coding change: c.1054A>T on transcript NM_016222.4 (MANE Select); coding-DNA position 1054, A replaced by T.
Protein change: p.Met352Leu; replaces methionine 352 with leucine.
Molecular consequence: missense variant.
Genome position (GRCh38, 1-based): chr5:177,513,729, T>A on the plus strand (A>T on the coding strand, the complement: DDX41 is on the minus strand). VCF-style: chr5-177513729-T-A. GRCh37 (hg19) VCF-style: chr5-176940730-T-A.
Other names: c.1054A>T (NM_016222.2); c.676A>T, p.Met226Leu (NM_001321732.2, NM_001321830.2); short protein forms M352L, M226L.
Identifiers: ClinVar variation 3644603 (VCV003644603.3).

ClinVar aggregate classification (germline): Uncertain significance. Review status: criteria provided, multiple submitters, no conflicts (2 of 4 stars). 2 submissions from 2 submitters: Uncertain significance (2). Last evaluated 2026-04-15.

Conditions:
Inborn genetic diseases. Identifiers: MedGen C0950123, MeSH D030342.

Submissions (2):

Ambry Genetics
Classification: Uncertain significance for Inborn genetic diseases. Last evaluated: 2026-04-15. Review status: criteria provided, single submitter. Criteria: Ambry Variant Classification Scheme 2023. Collection method: clinical testing. Allele origin: germline.
Comment: The p.M352L variant (also known as c.1054A>T), located in coding exon 10 of the DDX41 gene, results from an A to T substitution at nucleotide position 1054. The methionine at codon 352 is replaced by leucine, an amino acid with highly similar properties. This amino acid position is highly conserved in available vertebrate species. In addition, this alteration is predicted to be tolerated by in silico analysis. Based on the available evidence, the clinical significance of this variant remains unclear.

Labcorp Genetics (formerly Invitae), Labcorp
Classification: Uncertain significance. Last evaluated: 2024-03-12. Review status: criteria provided, single submitter. Criteria: Invitae Variant Classification Sherloc (09022015). Collection method: clinical testing. Allele origin: germline.
Comment: This sequence change replaces methionine, which is neutral and non-polar, with leucine, which is neutral and non-polar, at codon 352 of the DDX41 protein (p.Met352Leu). This variant is not present in population databases (gnomAD no frequency). This variant has not been reported in the literature in individuals affected with DDX41-related conditions. An algorithm developed to predict the effect of missense changes on protein structure and function (PolyPhen-2) suggests that this variant is likely to be tolerated. In summary, the available evidence is currently insufficient to determine the role of this variant in disease. Therefore, it has been classified as a Variant of Uncertain Significance.